The following is an entry in ClinVar:

ClinVar aggregate classification (germline): Uncertain significance (1 of 4 stars; one submission).

Conditions:
Inborn genetic diseases. Identifiers: MedGen C0950123, MeSH D030342.

Submission:

Ambry Genetics
Classification: Uncertain significance for Inborn genetic diseases. Last evaluated: 2025-04-24. Review status: criteria provided, single submitter. Criteria: Ambry Variant Classification Scheme 2023. Collection method: clinical testing. Allele origin: germline.
Comment: The p.H564Q variant (also known as c.1692C>G), located in coding exon 7 of the SH2B3 gene, results from a C to G substitution at nucleotide position 1692. The histidine at codon 564 is replaced by glutamine, an amino acid with highly similar properties. This amino acid position is conserved. In addition, this alteration is predicted to be tolerated by in silico analysis. Based on the available evidence, the clinical significance of this variant remains unclear.

NM_005475.3(SH2B3):c.1692C>G (p.His564Gln)

Gene: SH2B3 (SH2B adaptor protein 3; plus strand). Cytogenetic location: 12q24.12.
Variant type: single nucleotide variant.
Coding change: c.1692C>G on transcript NM_005475.3 (MANE Select); coding-DNA position 1692, C replaced by G.
Protein change: p.His564Gln; replaces histidine 564 with glutamine.
Molecular consequence: missense variant.
Genome position (GRCh38, 1-based): chr12:111,448,266, C>G. VCF-style: chr12-111448266-C-G. GRCh37 (hg19) VCF-style: chr12-111886070-C-G.
Other names: c.1086C>G, p.His362Gln (NM_001291424.1); short protein forms H564Q, H362Q.
Identifiers: ClinVar variation 3953471 (VCV003953471.1).